The following is an entry in ClinVar:

ClinVar aggregate classification (germline): Benign. Review status: criteria provided, multiple submitters, no conflicts (2 of 4 stars). 3 submissions from 2 submitters: Benign (3). Last evaluated 2021-07-10.

Conditions:
Autosomal recessive nonsyndromic hearing loss 18A. Also called: DEAFNESS, AUTOSOMAL RECESSIVE 18; Deafness, autosomal recessive 18A. Identifiers: Orphanet 90636, MedGen C1865870, MONDO:0011192, OMIM 602092.
Usher syndrome type 1C. Also called: USHER SYNDROME, TYPE I, ACADIAN VARIETY. Identifiers: Orphanet 231169, Orphanet 886, MedGen C1848604, MONDO:0010171, OMIM 276904.

Allele frequency attached by ClinVar (database versions not stated): 1000 Genomes Project 0.94289; 1000 Genomes Project 30x 0.94503; gnomAD 0.95608 and 0.95611; TOPMed 0.95845; gnomAD exomes 0.96208.

Submissions (5):

Genome-Nilou Lab
Classification: Benign for Usher syndrome type 1C. Last evaluated: 2021-07-10. Review status: criteria provided, single submitter. Criteria: ACMG Guidelines, 2015. Collection method: clinical testing. Allele origin: germline. Affected: no.

Genome-Nilou Lab
Classification: Benign for Autosomal recessive nonsyndromic hearing loss 18A. Last evaluated: 2021-07-10. Review status: criteria provided, single submitter. Criteria: ACMG Guidelines, 2015. Collection method: clinical testing. Allele origin: germline. Affected: no.

GeneDx
Classification: Benign. Last evaluated: 2018-06-14. Review status: criteria provided, single submitter. Criteria: GeneDx Variant Classification (06012015). Collection method: clinical testing. Allele origin: germline. Affected: yes.
Comment: This variant is considered likely benign or benign based on one or more of the following criteria: it is a conservative change, it occurs at a poorly conserved position in the protein, it is predicted to be benign by multiple in silico algorithms, and/or has population frequency not consistent with disease.

Dr. Peter K. Rogan Lab, Western University
No classification provided (evidence only). Condition: Lung cancer. Review status: no classification provided. Collection method: in vitro. Allele origin: not applicable. Functional consequence: retained intron. Not counted in ClinVar's aggregate classification.

Dr. Peter K. Rogan Lab, Western University
No classification provided (evidence only). Condition: Cholangiocarcinoma. Review status: no classification provided. Collection method: in vitro. Allele origin: not applicable. Functional consequence: retained intron. Not counted in ClinVar's aggregate classification.

NM_153676.4(USH1C):c.2656-260A>G

Gene: USH1C (USH1 protein network component harmonin; minus strand). Cytogenetic location: 11p15.1.
Variant type: single nucleotide variant.
Coding change: c.2656-260A>G on transcript NM_153676.4 (MANE Select); 260 bases into the intron before coding-DNA position 2656, A replaced by G.
Molecular consequence: intron variant.
Genome position (GRCh38, 1-based): chr11:17,494,636, T>C on the plus strand (A>G on the coding strand, the complement: USH1C is on the minus strand). VCF-style: chr11-17494636-T-C. GRCh37 (hg19) VCF-style: chr11-17516183-T-C.
Other names: NC_000011.9:g.17516183T>C; c.1590-260A>G (NM_001297764.2); c.1647-260A>G (NM_005709.4).
Identifiers: ClinVar variation 667875 (VCV000667875.5), dbSNP rs7108947, ClinGen allele CA218479799.